The following is an entry in ClinVar:

ClinVar aggregate classification (germline): Uncertain significance (1 of 4 stars; one submission).

Conditions:
Melanoma, cutaneous malignant, susceptibility to, 5. Also called: Cutaneous malignant melanoma 5. Identifiers: Orphanet 618, MedGen C2751295, MONDO:0013133, OMIM 613099.

Allele frequency attached by ClinVar (database versions not stated): ExAC 0.00004; gnomAD exomes 0.00005; TOPMed 0.00002.
gnomAD v4.1: 10 of 1,607,160 alleles (0.00062%); highest among the groups gnomAD compares: East Asian, 0.02%; no homozygotes.

Submission:

Labcorp Genetics (formerly Invitae), Labcorp
Classification: Uncertain significance for Melanoma, cutaneous malignant, susceptibility to, 5. Last evaluated: 2024-04-25. Review status: criteria provided, single submitter. Criteria: Invitae Variant Classification Sherloc (09022015). Collection method: clinical testing. Allele origin: germline.
Comment: This sequence change replaces alanine, which is neutral and non-polar, with threonine, which is neutral and polar, at codon 214 of the MC1R protein (p.Ala214Thr). This variant is present in population databases (rs752618291, gnomAD 0.06%), and has an allele count higher than expected for a pathogenic variant. This variant has not been reported in the literature in individuals affected with MC1R-related conditions. ClinVar contains an entry for this variant (Variation ID: 952422). Advanced modeling of protein sequence and biophysical properties (such as structural, functional, and spatial information, amino acid conservation, physicochemical variation, residue mobility, and thermodynamic stability) performed at Invitae indicates that this missense variant is expected to disrupt MC1R protein function with a positive predictive value of 80%. In summary, the available evidence is currently insufficient to determine the role of this variant in disease. Therefore, it has been classified as a Variant of Uncertain Significance.

NM_002386.4(MC1R):c.640G>A (p.Ala214Thr)

Gene: MC1R (melanocortin 1 receptor; plus strand). Cytogenetic location: 16q24.3.
Variant type: single nucleotide variant.
Coding change: c.640G>A on transcript NM_002386.4 (MANE Select); coding-DNA position 640, G replaced by A.
Protein change: p.Ala214Thr; replaces alanine 214 with threonine.
Molecular consequence: missense variant.
Genome position (GRCh38, 1-based): chr16:89,919,898, G>A. VCF-style: chr16-89919898-G-A. GRCh37 (hg19) VCF-style: chr16-89986306-G-A.
Other names: short protein forms A214T.
Identifiers: ClinVar variation 952422 (VCV000952422.9), dbSNP rs752618291, ClinGen allele CA8255695.